The following is an entry in ClinVar:

ClinVar aggregate classification (germline): Pathogenic (1 of 4 stars; one submission).

gnomAD v4.1: 1 of 1,614,252 alleles (0.000062%); no homozygotes.

Submission:

GeneDx
Classification: Pathogenic. Last evaluated: 2019-02-19. Review status: criteria provided, single submitter. Criteria: GeneDx Variant Classification Process June 2021. Collection method: clinical testing. Allele origin: germline. Affected: yes.
Comment: Has not been previously published as pathogenic or benign to our knowledge; Nonsense variant predicted to result in protein truncation or nonsense mediated decay in a gene for which loss-of-function is a known mechanism of disease; Not observed in large population cohorts (Lek et al., 2016)

NM_015346.4(ZFYVE26):c.7060C>T (p.Gln2354Ter)

Gene: ZFYVE26 (zinc finger FYVE-type containing 26; minus strand). Cytogenetic location: 14q24.1.
Variant type: single nucleotide variant.
Coding change: c.7060C>T on transcript NM_015346.4 (MANE Select); coding-DNA position 7060, C replaced by T.
Protein change: p.Gln2354Ter; replaces glutamine 2354 with a stop codon.
Molecular consequence: nonsense.
Genome position (GRCh38, 1-based): chr14:67,754,139, G>A on the plus strand (C>T on the coding strand, the complement: ZFYVE26 is on the minus strand). VCF-style: chr14-67754139-G-A. GRCh37 (hg19) VCF-style: chr14-68220856-G-A.
Other names: short protein forms Q2354*.
Identifiers: ClinVar variation 430413 (VCV000430413.3), dbSNP rs1131691949, ClinGen allele CA390159737.